The following is an entry in ClinVar:

ClinVar aggregate classification (germline): Uncertain significance. Review status: criteria provided, multiple submitters, no conflicts (2 of 4 stars). 3 submissions from 3 submitters: Uncertain significance (3). Last evaluated 2025-12-13.

Conditions:
Inborn genetic diseases. Identifiers: MedGen C0950123, MeSH D030342.
Pyruvate dehydrogenase E1-alpha deficiency (PDHAD). Also called: ATAXIA, INTERMITTENT, WITH PYRUVATE DEHYDROGENASE DEFICIENCY; ATAXIA WITH LACTIC ACIDOSIS I; ATAXIA, INTERMITTENT, WITH ABNORMAL PYRUVATE METABOLISM; Ataxia, intermittent, with pyruvate dehydrogenase, or decarboxylase, deficiency. Identifiers: Orphanet 79243, MedGen C1839413, MONDO:0010717, OMIM 312170.

gnomAD v4.1: 16 of 1,207,964 alleles (0.0013%); highest among the groups gnomAD compares: African/African-American, 0.014%; no homozygotes.

Submissions (3):

Labcorp Genetics (formerly Invitae), Labcorp
Classification: Uncertain significance for Pyruvate dehydrogenase E1-alpha deficiency. Last evaluated: 2025-12-13. Review status: criteria provided, single submitter. Criteria: Invitae Variant Classification Sherloc (09022015). Collection method: clinical testing. Allele origin: germline.
Comment: This sequence change replaces threonine, which is neutral and polar, with methionine, which is neutral and non-polar, at codon 354 of the PDHA1 protein (p.Thr354Met). This variant is present in population databases (rs375167721, gnomAD 0.008%). This variant has not been reported in the literature in individuals affected with PDHA1-related conditions. ClinVar contains an entry for this variant (Variation ID: 3907043). Invitae Evidence Modeling of protein sequence and biophysical properties (such as structural, functional, and spatial information, amino acid conservation, physicochemical variation, residue mobility, and thermodynamic stability) has been performed for this missense variant. However, the output from this modeling did not meet the statistical confidence thresholds required to predict the impact of this variant on PDHA1 protein function. In summary, the available evidence is currently insufficient to determine the role of this variant in disease. Therefore, it has been classified as a Variant of Uncertain Significance.

Women's Health and Genetics/Laboratory Corporation of America, LabCorp
Classification: Uncertain significance. Last evaluated: 2025-06-17. Review status: criteria provided, single submitter. Criteria: LabCorp Variant Classification Summary - May 2015. Collection method: clinical testing. Allele origin: germline.
Comment: Variant summary: PDHA1 c.1061C>T (p.Thr354Met) results in a non-conservative amino acid change in the encoded protein sequence. Algorithms developed to predict the effect of missense changes on protein structure and function all suggest that this variant is likely to be disruptive. The variant allele was found at a frequency of 5.4e-06 in 183491 control chromosomes. The available data on variant occurrences in the general population are insufficient to allow any conclusion about variant significance. To our knowledge, no occurrence of c.1061C>T in individuals affected with Pyruvate Dehydrogenase Deficiency and no experimental evidence demonstrating its impact on protein function have been reported. No submitters have cited clinical-significance assessments for this variant to ClinVar. Based on the evidence outlined above, the variant was classified as uncertain significance.

Ambry Genetics
Classification: Uncertain significance for Inborn genetic diseases. Last evaluated: 2025-03-28. Review status: criteria provided, single submitter. Criteria: Ambry Variant Classification Scheme 2023. Collection method: clinical testing. Allele origin: germline.

NM_000284.4(PDHA1):c.1061C>T (p.Thr354Met)

Gene: PDHA1 (pyruvate dehydrogenase E1 subunit alpha 1; plus strand). Cytogenetic location: Xp22.12.
Variant type: single nucleotide variant.
Coding change: c.1061C>T on transcript NM_000284.4 (MANE Select); coding-DNA position 1061, C replaced by T.
Protein change: p.Thr354Met; replaces threonine 354 with methionine.
Molecular consequence: missense variant.
Genome position (GRCh38, 1-based): chrX:19,359,541, C>T. VCF-style: chrX-19359541-C-T. GRCh37 (hg19) VCF-style: chrX-19377659-C-T.
Other names: c.1175C>T, p.Thr392Met (NM_001173454.2); c.1082C>T, p.Thr361Met (NM_001173455.2); c.968C>T, p.Thr323Met (NM_001173456.2); c.1061C>T (NM_000284.3); short protein forms T323M, T354M, T361M, T392M.
Identifiers: ClinVar variation 3907043 (VCV003907043.3).